The following is an entry in ClinVar:

ClinVar aggregate classification (germline): Conflicting classifications of pathogenicity. Review status: criteria provided, conflicting classifications (1 of 4 stars). 2 submissions from 2 submitters: Uncertain significance (1); Likely benign (1). Last evaluated 2025-04-18.

Conditions:
Cardiovascular phenotype. Identifiers: MedGen CN230736.
Brugada syndrome. Also called: Sudden unexpected nocturnal death syndrome; Sudden unexplained nocturnal death syndrome; Sudden Unexplained Death Syndrome; Sudden Unexplained Nocturnal Death Syndrome (SUNDS). Identifiers: Orphanet 130, MedGen C1142166, MONDO:0015263.

Allele frequency attached by ClinVar (database versions not stated): gnomAD exomes 0.00001; TOPMed 0.00001; ExAC 0.00002.
gnomAD v4.1: 2 of 1,614,244 alleles (0.00012%); highest among the groups gnomAD compares: East Asian, 0.0022%; no homozygotes.

Submissions (2):

Ambry Genetics
Classification: Likely benign for Cardiovascular phenotype. Last evaluated: 2025-04-18. Review status: criteria provided, single submitter. Criteria: Ambry Variant Classification Scheme 2023. Collection method: clinical testing. Allele origin: germline.

Labcorp Genetics (formerly Invitae), Labcorp
Classification: Uncertain significance for Brugada syndrome. Last evaluated: 2018-06-13. Review status: criteria provided, single submitter. Criteria: Invitae Variant Classification Sherloc (09022015). Collection method: clinical testing. Allele origin: germline.
Comment: This variant is present in population databases (rs759842238, ExAC 0.03%) but has not been reported in the literature in individuals with a SCN10A-related disease. This sequence change replaces alanine with proline at codon 1184 of the SCN10A protein (p.Ala1184Pro). The alanine residue is weakly conserved and there is a small physicochemical difference between alanine and proline. Algorithms developed to predict the effect of missense changes on protein structure and function (SIFT, PolyPhen-2, Align-GVGD) all suggest that this variant is likely to be tolerated, but these predictions have not been confirmed by published functional studies. In summary, this variant is a rare missense change that is not predicted to affect protein function. There is no indication that it causes disease, but the available evidence is currently insufficient to prove that conclusively. Therefore, it has been classified as a Variant of Uncertain Significance.

NM_006514.4(SCN10A):c.3550G>C (p.Ala1184Pro)

Gene: SCN10A (sodium voltage-gated channel alpha subunit 10; minus strand). Cytogenetic location: 3p22.2.
Variant type: single nucleotide variant.
Coding change: c.3550G>C on transcript NM_006514.4 (MANE Select); coding-DNA position 3550, G replaced by C.
Protein change: p.Ala1184Pro; replaces alanine 1184 with proline.
Molecular consequence: missense variant.
Genome position (GRCh38, 1-based): chr3:38,718,784, C>G on the plus strand (G>C on the coding strand, the complement: SCN10A is on the minus strand). VCF-style: chr3-38718784-C-G. GRCh37 (hg19) VCF-style: chr3-38760275-C-G.
Other names: c.3547G>C, p.Ala1183Pro (NM_001293306.2); c.3256G>C, p.Ala1086Pro (NM_001293307.2); c.3550G>C (NM_006514.2); short protein forms A1184P, A1183P, A1086P.
Identifiers: ClinVar variation 407750 (VCV000407750.6), dbSNP rs759842238, ClinGen allele CA2320193.
Genomic context (GRCh38, chr3:38,718,784, plus strand): 5'-TAAGCAGCATCTCGAACACAAAGATAAAGGTGAAGACCCTGTCAGTGTACTCCAGCAAAG[C>G]TTTCACCGTGGGCTTCTGGTCCAGGTAATAGTCTTCAAAGGCCTGGAAGGAAGAAAGGAT-3'
Protein context (NP_006505.4, residues 1174-1194): YYLDQKPTVK[Ala1184Pro]LLEYTDRVFT